The following is an entry in ClinVar:

ClinVar aggregate classification (germline): Uncertain significance. Review status: criteria provided, multiple submitters, no conflicts (2 of 4 stars). 4 submissions from 4 submitters: Uncertain significance (3). 1 of the submissions does not count toward it. Last evaluated 2025-05-17.

Conditions:
Blau syndrome (BLAUS). Also called: GRANULOMATOSIS, FAMILIAL JUVENILE SYSTEMIC; GRANULOMATOSIS, FAMILIAL, BLAU TYPE; GRANULOMATOUS INFLAMMATORY ARTHRITIS, DERMATITIS, AND UVEITIS, FAMILIAL; JABS SYNDROME; ARTHROCUTANEOUVEAL GRANULOMATOSIS. Identifiers: Orphanet 90340, MedGen C5201146, MONDO:0008523, OMIM 186580.
Regional enteritis. Also called: Enteritis, Granulomatous. Identifiers: MedGen C0678202, MeSH D003424.
NOD2-related disorder. Also called: NOD2-related condition.

Allele frequency attached by ClinVar (database versions not stated): gnomAD exomes below 0.00001.
gnomAD v4.1: 11 of 1,614,128 alleles (0.00068%); highest among the groups gnomAD compares: Non-Finnish European, 0.00085%; no homozygotes.

Submissions (4):

PreventionGenetics, part of Exact Sciences
Classification: Uncertain significance for NOD2-related condition. Last evaluated: 2025-05-17. Review status: criteria provided, single submitter. Criteria: ACMG Guidelines, 2015. Collection method: clinical testing. Allele origin: germline.
Comment: The NOD2 c.2914G>A variant is predicted to result in the amino acid substitution p.Val972Ile. To our knowledge, this variant has not been reported in the literature. This variant is reported in 0.00088% of alleles in individuals of European (Non-Finnish) descent in gnomAD. At this time, the clinical significance of this variant is uncertain due to the absence of conclusive functional and genetic evidence.

Labcorp Genetics (formerly Invitae), Labcorp
Classification: Uncertain significance for Regional enteritis; Blau syndrome. Last evaluated: 2025-04-22. Review status: criteria provided, single submitter. Criteria: Invitae Variant Classification Sherloc (09022015). Collection method: clinical testing. Allele origin: germline.
Comment: This sequence change replaces valine, which is neutral and non-polar, with isoleucine, which is neutral and non-polar, at codon 972 of the NOD2 protein (p.Val972Ile). This variant is present in population databases (rs104895455, gnomAD 0.0009%). This missense change has been observed in individual(s) with Crohn's disease (PMID: 11875755). ClinVar contains an entry for this variant (Variation ID: 97870). Invitae Evidence Modeling of protein sequence and biophysical properties (such as structural, functional, and spatial information, amino acid conservation, physicochemical variation, residue mobility, and thermodynamic stability) indicates that this missense variant is not expected to disrupt NOD2 protein function with a negative predictive value of 95%. Experimental studies have shown that this missense change does not substantially affect NOD2 function (PMID: 12626759). In summary, the available evidence is currently insufficient to determine the role of this variant in disease. Therefore, it has been classified as a Variant of Uncertain Significance.

Blueprint Genetics
Classification: Uncertain significance. Last evaluated: 2019-11-22. Review status: criteria provided, single submitter. Criteria: ACMG Guidelines, 2015. Collection method: clinical testing. Allele origin: germline.

Unité médicale des maladies autoinflammatoires, CHRU Montpellier
No classification provided. Condition: Sarcoidosis, early-onset. Review status: no classification provided. Collection method: not provided. Allele origin: unknown. Not counted in ClinVar's aggregate classification.
Comment: also involved in OMIM 186580 and 266600

Literature cited by the submitters: PubMed 11875755 (cited by Labcorp Genetics (formerly Invitae), Labcorp); PubMed 12626759 (cited by Labcorp Genetics (formerly Invitae), Labcorp).

NM_001370466.1(NOD2):c.2833G>A (p.Val945Ile)

Gene: NOD2 (nucleotide binding oligomerization domain containing 2; plus strand). Cytogenetic location: 16q12.1.
Variant type: single nucleotide variant.
Coding change: c.2833G>A on transcript NM_001370466.1 (MANE Select); coding-DNA position 2833, G replaced by A.
Protein change: p.Val945Ile; replaces valine 945 with isoleucine.
Molecular consequence: missense variant. On other transcripts: non-coding transcript variant (1).
Genome position (GRCh38, 1-based): chr16:50,725,520, G>A. VCF-style: chr16-50725520-G-A. GRCh37 (hg19) VCF-style: chr16-50759431-G-A.
Other names: c.2914G>A (NM_022162.2, LRG_177t1); c.2833G>A, p.Val945Ile (NM_001293557.2); c.2914G>A, p.Val972Ile (NM_022162.3); short protein forms V972I, V945I.
Identifiers: ClinVar variation 97870 (VCV000097870.10), dbSNP rs104895455, ClinGen allele CA150314.
Genomic context (GRCh38, chr16:50,725,520, plus strand): 5'-AACTGGATTTTCTCTCTTCTTCTCACCAGCCTGGAGGAGAACCATCTCCAGGATGAAGGT[G>A]TATGTTCTCTCGCAGAAGGACTGAAGAAAAATTCAAGTTTGAAAATCCTGAAGTAAGGAA-3'
Protein context (NP_001357395.1, residues 935-955): LEENHLQDEG[Val945Ile]CSLAEGLKKN